The following is an entry in ClinVar:

NM_000083.3(CLCN1):c.260C>T (p.Thr87Ile)

Gene: CLCN1 (chloride voltage-gated channel 1; plus strand). Cytogenetic location: 7q34.
Variant type: single nucleotide variant.
Coding change: c.260C>T on transcript NM_000083.3 (MANE Select); coding-DNA position 260, C replaced by T.
Protein change: p.Thr87Ile; replaces threonine 87 with isoleucine.
Molecular consequence: missense variant. On other transcripts: non-coding transcript variant (1).
Genome position (GRCh38, 1-based): chr7:143,319,834, C>T. VCF-style: chr7-143319834-C-T. GRCh37 (hg19) VCF-style: chr7-143016927-C-T.
Other names: short protein forms T87I.
Identifiers: ClinVar variation 2923260 (VCV002923260.3), dbSNP rs1802377981, ClinGen allele CA369680865.

ClinVar aggregate classification (germline): Uncertain significance (1 of 4 stars; one submission).

Conditions:
Congenital myotonia, autosomal dominant form (THD). Also called: THOMSEN DISEASE; Myotonia congenita autosomal dominant. Identifiers: Orphanet 614, MedGen C2936781, MONDO:0008055, OMIM 160800.
Congenital myotonia, autosomal recessive form. Also called: BECKER DISEASE; Becker Generalized Myotonia; myotonia congenita, autosomal recessive. Identifiers: Orphanet 614, MedGen C0751360, MONDO:0009715, OMIM 255700.

Allele frequency attached by ClinVar (database versions not stated): TOPMed below 0.00001.

Submission:

Labcorp Genetics (formerly Invitae), Labcorp
Classification: Uncertain significance for Congenital myotonia, autosomal recessive form; Congenital myotonia, autosomal dominant form. Last evaluated: 2023-01-31. Review status: criteria provided, single submitter. Criteria: Invitae Variant Classification Sherloc (09022015). Collection method: clinical testing. Allele origin: germline.
Comment: In summary, the available evidence is currently insufficient to determine the role of this variant in disease. Therefore, it has been classified as a Variant of Uncertain Significance. Advanced modeling of protein sequence and biophysical properties (such as structural, functional, and spatial information, amino acid conservation, physicochemical variation, residue mobility, and thermodynamic stability) performed at Invitae indicates that this missense variant is not expected to disrupt CLCN1 protein function. This variant has not been reported in the literature in individuals affected with CLCN1-related conditions. This variant is not present in population databases (gnomAD no frequency). This sequence change replaces threonine, which is neutral and polar, with isoleucine, which is neutral and non-polar, at codon 87 of the CLCN1 protein (p.Thr87Ile).